The following is an entry in ClinVar:

ClinVar aggregate classification (germline): Uncertain significance (1 of 4 stars; one submission).

Allele frequency attached by ClinVar (database versions not stated): gnomAD 0.00001; gnomAD exomes 0.00001; ExAC 0.00002.
gnomAD v4.1: 10 of 1,613,386 alleles (0.00062%); highest among the groups gnomAD compares: African/African-American, 0.0067%; no homozygotes.

Submission:

Labcorp Genetics (formerly Invitae), Labcorp
Classification: Uncertain significance. Last evaluated: 2024-04-09. Review status: criteria provided, single submitter. Criteria: Invitae Variant Classification Sherloc (09022015). Collection method: clinical testing. Allele origin: germline.
Comment: This sequence change replaces methionine, which is neutral and non-polar, with threonine, which is neutral and polar, at codon 46 of the KLF10 protein (p.Met46Thr). This variant is present in population databases (rs753790380, gnomAD 0.01%). This variant has not been reported in the literature in individuals affected with KLF10-related conditions. An algorithm developed to predict the effect of missense changes on protein structure and function (PolyPhen-2) suggests that this variant is likely to be tolerated. In summary, the available evidence is currently insufficient to determine the role of this variant in disease. Therefore, it has been classified as a Variant of Uncertain Significance.

NM_005655.4(KLF10):c.137T>C (p.Met46Thr)

Gene: KLF10 (KLF transcription factor 10; minus strand). Cytogenetic location: 8q22.3.
Variant type: single nucleotide variant.
Coding change: c.137T>C on transcript NM_005655.4 (MANE Select); coding-DNA position 137, T replaced by C.
Protein change: p.Met46Thr; replaces methionine 46 with threonine.
Molecular consequence: missense variant. On other transcripts: non-coding transcript variant (2).
Genome position (GRCh38, 1-based): chr8:102,652,297, A>G on the plus strand (T>C on the coding strand, the complement: KLF10 is on the minus strand). VCF-style: chr8-102652297-A-G. GRCh37 (hg19) VCF-style: chr8-103664525-A-G.
Other names: c.104T>C, p.Met35Thr (NM_001032282.4); short protein forms M35T, M46T.
Identifiers: ClinVar variation 2732311 (VCV002732311.3), dbSNP rs753790380, ClinGen allele CA4833684.
Genomic context (GRCh38, chr8:102,652,297, plus strand): 5'-GTAACAGGTCTGTTTTCAACGTATTTCTTAAAATCAGACTTCCAACTGCAGCTCATTGAC[A>G]TAAGTGCTTCTACAGCTTCAAAATCACTTTTCTCTGCAGTTTTGTTCCAGGAATACATAC-3'
Protein context (NP_005646.1, residues 36-56): KSDFEAVEAL[Met46Thr]SMSCSWKSDF